The following is an entry in ClinVar:

NM_000038.6(APC):c.541C>T (p.Gln181Ter)

Gene: APC (APC regulator of Wnt signaling pathway; plus strand). Cytogenetic location: 5q22.2.
Variant type: single nucleotide variant.
Coding change: c.541C>T on transcript NM_000038.6 (MANE Select); coding-DNA position 541, C replaced by T.
Protein change: p.Gln181Ter; replaces glutamine 181 with a stop codon.
Molecular consequence: nonsense. On other transcripts: 5 prime UTR variant (1).
Genome position (GRCh38, 1-based): chr5:112,780,799, C>T. VCF-style: chr5-112780799-C-T. GRCh37 (hg19) VCF-style: chr5-112116496-C-T.
Other names: c.541C>T, p.Gln181Ter (NM_001127510.3, NM_001354895.2, NM_001354896.2 and 2 more transcripts); c.571C>T, p.Gln191Ter (NM_001127511.3, NM_001354897.2, NM_001354902.2); c.466C>T, p.Gln156Ter (NM_001354898.2, NM_001354904.2); c.364C>T, p.Gln122Ter (NM_001354900.2, NM_001354901.2, NM_001354905.2); c.-495C>T (NM_001354906.2); short protein forms Q181*, Q191*, Q122*, Q156*.
Identifiers: ClinVar variation 217996 (VCV000217996.10), dbSNP rs863225366, ClinGen allele CA279657.
Genomic context (GRCh38, chr5:112,780,799, plus strand): 5'-GATTAACGTAAATACAAGATATTGATACTTTTTTATTATTTGTGGTTTTAGTTTTCCTTA[C>T]AAACAGATATGACCAGAAGGCAATTGGAATATGAAGCAAGGCAAATCAGAGTTGCGATGG-3'

ClinVar aggregate classification (germline): Pathogenic. Review status: criteria provided, multiple submitters, no conflicts (2 of 4 stars). 4 submissions from 4 submitters: Pathogenic (3). 1 of the submissions does not count toward it. Last evaluated 2024-11-07.

Conditions:
Hereditary cancer-predisposing syndrome. Also called: Hereditary Cancer Syndrome; Hereditary neoplastic syndrome; Neoplastic Syndromes, Hereditary; Tumor predisposition. Identifiers: Orphanet 140162, MedGen C0027672, MeSH D009386, MONDO:0015356.
Familial adenomatous polyposis 1 (FAP1). Also called: FAMILIAL ADENOMATOUS POLYPOSIS 1, ATTENUATED; POLYPOSIS, ADENOMATOUS INTESTINAL. Identifiers: MedGen C2713442, MONDO:0021056, OMIM 175100. Disease mechanism: loss of function.

Submissions (4):

Ambry Genetics
Classification: Pathogenic for Hereditary cancer-predisposing syndrome. Last evaluated: 2024-11-07. Review status: criteria provided, single submitter. Criteria: Ambry Variant Classification Scheme 2023. Collection method: clinical testing. Allele origin: germline.
Comment: The p.Q181* pathogenic mutation (also known as c.541C>T), located in coding exon 5 of the APC gene, results from a C to T substitution at nucleotide position 541. This changes the amino acid from a glutamine to a stop codon within coding exon 5. This variant has been observed in multiple individuals with a personal and/or family history that is consistent with familial adenomatous polyposis or attenuated familial adenomatous polyposis (Friedl W et al. Gut. 2001 Apr;48(4):515-21; Friedl W et al. Hered Cancer Clin Pract. 2005;3(3):95-114; Lamlum H et al. Nat. Med. 1999 Sep;5(9):1071-5; Gatalica Z et al. Fam. Cancer 2014 Jun;13(2):213-7; Ambry internal data). This variant is considered to be rare based on population cohorts in the Genome Aggregation Database (gnomAD). In addition to the clinical data presented in the literature, this alteration is expected to result in loss of function by premature protein truncation or nonsense-mediated mRNA decay. As such, this alteration is interpreted as a disease-causing mutation.

Myriad Genetics, Inc.
Classification: Pathogenic for Familial adenomatous polyposis 1. Last evaluated: 2023-04-26. Review status: criteria provided, single submitter. Criteria: Myriad Autosomal Dominant, Autosomal Recessive and X-Linked Classification Criteria (2023). Collection method: clinical testing. Allele origin: unknown.
Comment: This variant is considered pathogenic. This variant creates a termination codon and is predicted to result in premature protein truncation.

GeneDx
Classification: Pathogenic. Last evaluated: 2016-10-12. Review status: criteria provided, single submitter. Criteria: GeneDx Variant Classification (06012015). Collection method: clinical testing. Allele origin: germline. Affected: yes.
Comment: This variant is denoted APC c.541C>T at the cDNA level and p.Gln181Ter (Q181X) at the protein level. The substitution creates a nonsense variant, which changes a Glutamine to a premature stop codon (CAA>TAA), and is predicted to cause loss of normal protein function through either protein truncation or nonsense-mediated mRNA decay. This variant has been reported in individuals with classic and attenuated Familial Adenomatous Polyposis and is considered pathogenic (Lamlum 1999, Friedl 2005, Kerr 2013, Gatalica 2014).

Mayo Clinic Laboratories, Mayo Clinic
Classification: Pathogenic. Review status: no assertion criteria provided. Collection method: research. Allele origin: unknown. Observed: 1 variant allele. Not counted in ClinVar's aggregate classification.

Literature cited by the submitters: PubMed 10470088 (cited by Ambry Genetics); PubMed 11247896 (cited by Ambry Genetics); PubMed 20223039 (cited by Ambry Genetics); PubMed 23771323 (cited by Ambry Genetics); PubMed 25525159 (cited by Ambry Genetics).